The following is an entry in ClinVar:

NM_001267550.2(TTN):c.93673A>G (p.Ile31225Val)

Genes: TTN (titin; minus strand), TTN-AS1 (TTN antisense RNA 1; plus strand). Cytogenetic location: 2q31.2.
Variant type: single nucleotide variant.
Coding change: c.93673A>G on transcript NM_001267550.2 (MANE Select); coding-DNA position 93673, A replaced by G.
Protein change: p.Ile31225Val; replaces isoleucine 31225 with valine.
Molecular consequence: missense variant.
Genome position (GRCh38, 1-based): chr2:178,547,953, T>C on the plus strand (A>G on the coding strand, the complement: TTN is on the minus strand). VCF-style: chr2-178547953-T-C. GRCh37 (hg19) VCF-style: chr2-179412680-T-C.
Other names: c.88750A>G, p.Ile29584Val (NM_001256850.1); c.66478A>G, p.Ile22160Val (NM_003319.4); c.85969A>G, p.Ile28657Val (NM_133378.4); c.66853A>G, p.Ile22285Val (NM_133432.3); c.67054A>G, p.Ile22352Val (NM_133437.4); short protein forms I22160V, I22285V, I22352V, I28657V, I29584V, I31225V.
Identifiers: ClinVar variation 1707325 (VCV001707325.2), dbSNP rs529500497, ClinGen allele CA1987266.

ClinVar aggregate classification (germline): Uncertain significance (1 of 4 stars; one submission).

Allele frequency attached by ClinVar (database versions not stated): gnomAD exomes below 0.00001; TOPMed 0.00001; ExAC 0.00002; gnomAD 0.00002; 1000 Genomes Project 30x 0.00016; 1000 Genomes Project 0.00020.
gnomAD v4.1: 8 of 1,613,774 alleles (0.0005%); highest among the groups gnomAD compares: East Asian, 0.016%; no homozygotes.

Submission:

GeneDx
Classification: Uncertain significance. Last evaluated: 2022-03-23. Review status: criteria provided, single submitter. Criteria: GeneDx Variant Classification Process June 2021. Collection method: clinical testing. Allele origin: germline. Affected: yes.
Comment: Has not been previously published as pathogenic or benign to our knowledge; Not observed at significant frequency in large population cohorts (gnomAD); Missense variant in a gene in which most reported pathogenic variants are truncating/loss of function